The following is an entry in ClinVar:

ClinVar aggregate classification (germline): Likely benign. Review status: criteria provided, multiple submitters, no conflicts (2 of 4 stars). 2 submissions from 2 submitters: Likely benign (2). Last evaluated 2025-05-27.

Conditions:
MYCBP2-related disorder. Also called: MYCBP2-related condition.

Allele frequency attached by ClinVar (database versions not stated): 1000 Genomes Project 0.00020; 1000 Genomes Project 30x 0.00047; ExAC 0.00084; gnomAD 0.00098; TOPMed 0.00107; gnomAD exomes 0.00112; ESP Exome Variant Server 0.00115.
gnomAD v4.1: 1,754 of 1,605,274 alleles (0.11%); highest among the groups gnomAD compares: African/African-American, 0.13%; 4 homozygotes.

Submissions (2):

PreventionGenetics, part of Exact Sciences
Classification: Likely benign for MYCBP2-related condition. Last evaluated: 2025-05-27. Review status: criteria provided, single submitter. Criteria: ACMG Guidelines, 2015. Collection method: clinical testing. Allele origin: germline.
Comment: This variant is classified as likely benign based on ACMG/AMP sequence variant interpretation guidelines (Richards et al. 2015 PMID: 25741868, with internal and published modifications).

CeGaT Center for Human Genetics Tuebingen
Classification: Likely benign. Last evaluated: 2023-06-01. Review status: criteria provided, single submitter. Criteria: CeGaT Center For Human Genetics Tuebingen Variant Classification Criteria Version 2. Collection method: clinical testing. Allele origin: germline. Affected: yes. Observed: 1 variant allele.
Comment: MYCBP2: BP4, BS1

NM_015057.5(MYCBP2):c.9955-6C>T

Gene: MYCBP2 (MYC binding protein 2; minus strand). Cytogenetic location: 13q22.3.
Variant type: single nucleotide variant.
Coding change: c.9955-6C>T on transcript NM_015057.5 (MANE Select); 6 bases into the intron before coding-DNA position 9955, C replaced by T.
Molecular consequence: intron variant.
Genome position (GRCh38, 1-based): chr13:77,095,608, G>A on the plus strand (C>T on the coding strand, the complement: MYCBP2 is on the minus strand). VCF-style: chr13-77095608-G-A. GRCh37 (hg19) VCF-style: chr13-77669743-G-A.
Other names: c.9955-6C>T (NM_015057.4).
Identifiers: ClinVar variation 2643855 (VCV002643855.25), dbSNP rs373062870, ClinGen allele CA7008416.